The following is an entry in ClinVar:

ClinVar aggregate classification (germline): Uncertain significance. Review status: criteria provided, multiple submitters, no conflicts (2 of 4 stars). 2 submissions from 2 submitters: Uncertain significance (2). Last evaluated 2025-08-04.

Conditions:
O'Donnell-Luria-Rodan syndrome (ODLURO). Also called: KMT2E-Related Neurodevelopmental Disorder. Identifiers: MedGen C5193138, MONDO:0032793, OMIM 618512.
KMT2E-related disorder. Also called: KMT2E-related condition.

gnomAD v4.1: 1 of 1,614,050 alleles (0.000062%); highest among the groups gnomAD compares: African/African-American, 0.0013%; no homozygotes.

Submissions (2):

PreventionGenetics, part of Exact Sciences
Classification: Uncertain significance for KMT2E-related condition. Last evaluated: 2025-08-04. Review status: criteria provided, single submitter. Criteria: ACMG Guidelines, 2015. Collection method: clinical testing. Allele origin: germline.
Comment: The KMT2E c.4264C>G variant is predicted to result in the amino acid substitution p.Arg1422Gly. To our knowledge, this variant has not been reported in the literature. This variant is reported in 0.0080% of alleles in individuals of African descent in gnomAD. At this time, the clinical significance of this variant is uncertain due to the absence of conclusive functional and genetic evidence.

ARUP Laboratories, Molecular Genetics and Genomics, ARUP Laboratories
Classification: Uncertain significance for O'Donnell-Luria-Rodan syndrome. Review status: criteria provided, single submitter. Criteria: ARUP Molecular Germline Variant Investigation Process 2024. Collection method: clinical testing. Allele origin: germline.

NM_182931.3(KMT2E):c.4264C>G (p.Arg1422Gly)

Gene: KMT2E (lysine methyltransferase 2E (inactive); plus strand). Cytogenetic location: 7q22.3.
Variant type: single nucleotide variant.
Coding change: c.4264C>G on transcript NM_182931.3 (MANE Select); coding-DNA position 4264, C replaced by G.
Protein change: p.Arg1422Gly; replaces arginine 1422 with glycine.
Molecular consequence: missense variant.
Genome position (GRCh38, 1-based): chr7:105,112,020, C>G. VCF-style: chr7-105112020-C-G. GRCh37 (hg19) VCF-style: chr7-104752467-C-G.
Other names: c.4138C>G, p.Arg1380Gly (NM_001410908.1); c.4264C>G, p.Arg1422Gly (NM_018682.4); c.4264C>G (NM_182931.2); short protein forms R1380G, R1422G.
Identifiers: ClinVar variation 4686033 (VCV004686033.2).